The following is an entry in ClinVar:

NM_001166108.2(PALLD):c.2903T>G (p.Val968Gly)

Genes: CBR4 (carbonyl reductase 4; minus strand), PALLD (palladin, cytoskeletal associated protein; plus strand). Cytogenetic location: 4q32.3.
Variant type: single nucleotide variant.
Coding change: c.2903T>G on transcript NM_001166108.2 (MANE Select); coding-DNA position 2903, T replaced by G.
Protein change: p.Val968Gly; replaces valine 968 with glycine.
Molecular consequence: missense variant.
Genome position (GRCh38, 1-based): chr4:168,921,586, T>G. VCF-style: chr4-168921586-T-G. GRCh37 (hg19) VCF-style: chr4-169842737-T-G.
Other names: c.1706T>G, p.Val569Gly (NM_001166109.2); c.1391T>G, p.Val464Gly (NM_001166110.2); c.731T>G, p.Val244Gly (NM_001367567.1, NM_001367569.1); c.782T>G, p.Val261Gly (NM_001367568.1, NM_001367570.1); c.2852T>G, p.Val951Gly (NM_016081.4); short protein forms V569G, V951G, V968G, V261G, V464G, V244G.
Identifiers: ClinVar variation 2448486 (VCV002448486.2), dbSNP rs2534192832, ClinGen allele CA358708594.

ClinVar aggregate classification (germline): Uncertain significance (1 of 4 stars; one submission).

Submission:

Ambry Genetics
Classification: Uncertain significance. Last evaluated: 2023-02-03. Review status: criteria provided, single submitter. Criteria: Ambry Variant Classification Scheme 2023. Collection method: clinical testing. Allele origin: germline.
Comment: The p.V951G variant (also known as c.2852T>G), located in coding exon 16 of the PALLD gene, results from a T to G substitution at nucleotide position 2852. The valine at codon 951 is replaced by glycine, an amino acid with dissimilar properties. This amino acid position is conserved. In addition, the in silico prediction for this alteration is inconclusive. Since supporting evidence is limited at this time, the clinical significance of this alteration remains unclear.